The following is an entry in ClinVar:

NM_001369.3(DNAH5):c.9682del (p.Glu3228fs)

Gene: DNAH5 (dynein axonemal heavy chain 5; minus strand). Cytogenetic location: 5p15.2.
Variant type: Deletion.
Coding change: c.9682del on transcript NM_001369.3 (MANE Select); coding-DNA position 9682, one base deleted (G; older notation c.9682delG).
Protein change: p.Glu3228fs; shifts the reading frame from glutamic acid 3228.
Molecular consequence: frameshift variant.
Genome position (GRCh38, 1-based): chr5:13,769,539, C deleted on the plus strand (G on the coding strand, the reverse complement: DNAH5 is on the minus strand). VCF-style (leftmost placement, unchanged base first): chr5-13769538-TC-T. GRCh37 (hg19) VCF-style: chr5-13769647-TC-T.
Other names: short protein forms E3228fs.
Identifiers: ClinVar variation 1367106 (VCV001367106.8), dbSNP rs748168087, ClinGen allele CA3202470.

ClinVar aggregate classification (germline): Pathogenic/Likely pathogenic. Review status: criteria provided, multiple submitters, no conflicts (2 of 4 stars). 3 submissions from 3 submitters: Pathogenic (2); Likely pathogenic (1). Last evaluated 2025-09-13.

Conditions:
DNAH5-related disorders.
Primary ciliary dyskinesia. Also called: Ciliary dyskinesia. Identifiers: Orphanet 244, MedGen C0008780, MONDO:0016575, HP:0012265.
Primary ciliary dyskinesia 3. Identifiers: Orphanet 244, MedGen C1837618, MONDO:0012085, OMIM 608644.

Allele frequency attached by ClinVar (database versions not stated): gnomAD 0.00001; TOPMed below 0.00001; ExAC 0.00001; gnomAD exomes 0.00001.

Submissions (3):

Labcorp Genetics (formerly Invitae), Labcorp
Classification: Pathogenic for Primary ciliary dyskinesia. Last evaluated: 2025-09-13. Review status: criteria provided, single submitter. Criteria: Invitae Variant Classification Sherloc (09022015). Collection method: clinical testing. Allele origin: germline.
Comment: This sequence change creates a premature translational stop signal (p.Glu3228Lysfs*15) in the DNAH5 gene. It is expected to result in an absent or disrupted protein product. Loss-of-function variants in DNAH5 are known to be pathogenic (PMID: 11788826, 16627867). This variant is present in population databases (rs748168087, gnomAD 0.0009%). This variant has not been reported in the literature in individuals affected with DNAH5-related conditions. ClinVar contains an entry for this variant (Variation ID: 1367106). For these reasons, this variant has been classified as Pathogenic.

Blueprint Genetics
Classification: Likely pathogenic for DNAH5-related disorders. Last evaluated: 2024-07-18. Review status: criteria provided, single submitter. Criteria: ACMG Guidelines, 2015. Collection method: clinical testing. Allele origin: germline. Affected: yes. Observed: 1 variant allele.

Myriad Genetics, Inc.
Classification: Pathogenic for Primary ciliary dyskinesia 3. Last evaluated: 2023-11-28. Review status: criteria provided, single submitter. Criteria: Myriad Autosomal Dominant, Autosomal Recessive and X-Linked Classification Criteria (2023). Collection method: clinical testing. Allele origin: unknown.
Comment: NM_001369.2(DNAH5):c.9682delG(E3228Kfs*15) is expected to be pathogenic in the context of primary ciliary dyskinesia, DNAH5-related. This variant is predicted to lead to an abnormal or absent protein product due to the creation of a premature termination codon in DNAH5, a gene where loss-of-function variants are known to be pathogenic. Please note: this variant was assessed in the context of healthy population screening.

Literature cited by the submitters: PubMed 11788826 (cited by Labcorp Genetics (formerly Invitae), Labcorp); PubMed 16627867 (cited by Labcorp Genetics (formerly Invitae), Labcorp).